The following is an entry in ClinVar:

NM_005754.3(G3BP1):c.1243A>G (p.Thr415Ala)

Gene: G3BP1 (G3BP stress granule assembly factor 1; plus strand). Cytogenetic location: 5q33.1.
Variant type: single nucleotide variant.
Coding change: c.1243A>G on transcript NM_005754.3 (MANE Select); coding-DNA position 1243, A replaced by G.
Protein change: p.Thr415Ala; replaces threonine 415 with alanine.
Molecular consequence: missense variant.
Genome position (GRCh38, 1-based): chr5:151,803,933, A>G. VCF-style: chr5-151803933-A-G. GRCh37 (hg19) VCF-style: chr5-151183494-A-G.
Other names: c.1243A>G, p.Thr415Ala (NM_198395.2); short protein forms T415A.
Identifiers: ClinVar variation 3776609 (VCV003776609.1).

ClinVar aggregate classification (germline): Uncertain significance (1 of 4 stars; one submission).

Submission:

GeneDx
Classification: Uncertain significance. Last evaluated: 2024-10-02. Review status: criteria provided, single submitter. Criteria: GeneDx Variant Classification Process June 2021. Collection method: clinical testing. Allele origin: germline. Affected: yes.
Comment: Not observed at significant frequency in large population cohorts (gnomAD); In silico analysis supports that this missense variant has a deleterious effect on protein structure/function; Has not been previously published as pathogenic or benign to our knowledge